The following is an entry in ClinVar:

NM_182972.3(IRF2BP2):c.1682A>T (p.Asn561Ile)

Gene: IRF2BP2 (interferon regulatory factor 2 binding protein 2; minus strand). Cytogenetic location: 1q42.3.
Variant type: single nucleotide variant.
Coding change: c.1682A>T on transcript NM_182972.3 (MANE Select); coding-DNA position 1682, A replaced by T.
Protein change: p.Asn561Ile; replaces asparagine 561 with isoleucine.
Molecular consequence: missense variant.
Genome position (GRCh38, 1-based): chr1:234,607,219, T>A on the plus strand (A>T on the coding strand, the complement: IRF2BP2 is on the minus strand). VCF-style: chr1-234607219-T-A. GRCh37 (hg19) VCF-style: chr1-234742965-T-A.
Other names: c.1634A>T, p.Asn545Ile (NM_001077397.1); c.1682A>T (NM_182972.2); short protein forms N545I, N561I.
Identifiers: ClinVar variation 2888458 (VCV002888458.4), dbSNP rs779104715, ClinGen allele CA1461512.

ClinVar aggregate classification (germline): Uncertain significance. Review status: criteria provided, multiple submitters, no conflicts (2 of 4 stars). 2 submissions from 2 submitters: Uncertain significance (2). Last evaluated 2025-03-25.

gnomAD v4.1: 11 of 1,614,092 alleles (0.00068%); highest among the groups gnomAD compares: Non-Finnish European, 0.00093%; no homozygotes.

Submissions (2):

Ambry Genetics
Classification: Uncertain significance. Last evaluated: 2025-03-25. Review status: criteria provided, single submitter. Criteria: Ambry Variant Classification Scheme 2023. Collection method: clinical testing. Allele origin: germline.

Labcorp Genetics (formerly Invitae), Labcorp
Classification: Uncertain significance. Last evaluated: 2023-12-11. Review status: criteria provided, single submitter. Criteria: Invitae Variant Classification Sherloc (09022015). Collection method: clinical testing. Allele origin: germline.
Comment: This sequence change replaces asparagine, which is neutral and polar, with isoleucine, which is neutral and non-polar, at codon 561 of the IRF2BP2 protein (p.Asn561Ile). This variant is not present in population databases (gnomAD no frequency). This variant has not been reported in the literature in individuals affected with IRF2BP2-related conditions. An algorithm developed to predict the effect of missense changes on protein structure and function (PolyPhen-2) suggests that this variant is likely to be disruptive. In summary, the available evidence is currently insufficient to determine the role of this variant in disease. Therefore, it has been classified as a Variant of Uncertain Significance.